The following is an entry in ClinVar:

NM_001290048.2(ATL3):c.-9+49C>G

Gene: ATL3 (atlastin GTPase 3; minus strand). Cytogenetic location: 11q13.1.
Variant type: single nucleotide variant.
Coding change: c.-9+49C>G on transcript NM_001290048.2; 49 bases into the intron after 9 bases upstream of the start codon, C replaced by G.
Molecular consequence: intron variant.
Genome position (GRCh38, 1-based): chr11:63,671,587, G>C on the plus strand (C>G on the coding strand, the complement: ATL3 is on the minus strand). VCF-style: chr11-63671587-G-C. GRCh37 (hg19) VCF-style: chr11-63439059-G-C.
Other names: c.-9+49C>G (NM_001440720.1).
Identifiers: ClinVar variation 1695711 (VCV001695711.2), dbSNP rs571198363, ClinGen allele CA6063949.

ClinVar aggregate classification (germline): Likely benign (1 of 4 stars; one submission).

Allele frequency attached by ClinVar (database versions not stated): gnomAD exomes 0.00048; gnomAD 0.00538 and 0.00493; 1000 Genomes Project 0.00579; ExAC 0.00232; 1000 Genomes Project 30x 0.00609; TOPMed 0.00563.
gnomAD v4.1: 1,288 of 1,429,922 alleles (0.09%); highest among the groups gnomAD compares: African/African-American, 1.8%; 15 homozygotes.

Submission:

GeneDx
Classification: Likely benign. Last evaluated: 2022-01-06. Review status: criteria provided, single submitter. Criteria: GeneDx Variant Classification Process June 2021. Collection method: clinical testing. Allele origin: germline. Affected: yes.
Comment: See Variant Classification Assertion Criteria.